The following is an entry in ClinVar:

NM_017433.5(MYO3A):c.4173_4174del (p.His1391fs)

Gene: MYO3A (myosin IIIA; plus strand). Cytogenetic location: 10p12.1.
Variant type: Deletion.
Coding change: c.4173_4174del on transcript NM_017433.5 (MANE Select); coding-DNA positions 4173 to 4174, 2 bases deleted (TA; older notation c.4173_4174delTA).
Protein change: p.His1391fs; shifts the reading frame from histidine 1391.
Molecular consequence: frameshift variant.
Genome position (GRCh38, 1-based): chr10:26,174,437-26,174,438, TA deleted; deleting any 2 consecutive bases within chr10:26,174,436-26,174,438 gives the same sequence; the c. name uses the placement nearest the transcript's 3' end. VCF-style (leftmost placement, unchanged base first): chr10-26174435-CAT-C. GRCh37 (hg19) VCF-style: chr10-26463364-CAT-C.
Other names: c.4173_4174del (NM_017433.4); short protein forms H1391fs.
Identifiers: ClinVar variation 2188636 (VCV002188636.5), dbSNP rs768570132, ClinGen allele CA5445388.

ClinVar aggregate classification (germline): Conflicting classifications of pathogenicity. Review status: criteria provided, conflicting classifications (1 of 4 stars). 2 submissions from 2 submitters: Pathogenic (1); Uncertain significance (1). Last evaluated 2023-05-17.

Submissions (2):

GeneDx
Classification: Uncertain significance. Last evaluated: 2023-05-17. Review status: criteria provided, single submitter. Criteria: GeneDx Variant Classification Process June 2021. Collection method: clinical testing. Allele origin: germline. Affected: yes.
Comment: Frameshift variant predicted to result in protein truncation or nonsense mediated decay in a gene for which loss of function is a known mechanism of disease; Has not been previously published as pathogenic or benign to our knowledge

Labcorp Genetics (formerly Invitae), Labcorp
Classification: Pathogenic. Last evaluated: 2022-05-03. Review status: criteria provided, single submitter. Criteria: Invitae Variant Classification Sherloc (09022015). Collection method: clinical testing. Allele origin: germline.
Comment: For these reasons, this variant has been classified as Pathogenic. This variant has not been reported in the literature in individuals affected with MYO3A-related conditions. This variant is present in population databases (rs768570132, gnomAD 0.04%). This sequence change creates a premature translational stop signal (p.His1391Glnfs*10) in the MYO3A gene. It is expected to result in an absent or disrupted protein product. Loss-of-function variants in MYO3A are known to be pathogenic (PMID: 12032315, 23990876).

Literature cited by the submitters: PubMed 12032315 (cited by Labcorp Genetics (formerly Invitae), Labcorp); PubMed 23990876 (cited by Labcorp Genetics (formerly Invitae), Labcorp).